The following is an entry in ClinVar:

ClinVar aggregate classification (germline): Uncertain significance. Review status: criteria provided, multiple submitters, no conflicts (2 of 4 stars). 4 submissions from 4 submitters: Uncertain significance (3). 1 of the submissions does not count toward it. Last evaluated 2024-12-30.

Conditions:
Cystic fibrosis (CF). Also called: MUCOVISCIDOSIS. Identifiers: Orphanet 586, MedGen C0010674, MONDO:0009061, OMIM 219700. Disease mechanism: loss of function.

Allele frequency attached by ClinVar (database versions not stated): TOPMed below 0.00001; gnomAD exomes below 0.00001.
gnomAD v4.1: 1 of 1,613,998 alleles (0.000062%); highest among the groups gnomAD compares: Admixed American, 0.0017%; no homozygotes.

Submissions (4):

Women's Health and Genetics/Laboratory Corporation of America, LabCorp
Classification: Uncertain significance. Last evaluated: 2024-12-30. Review status: criteria provided, single submitter. Criteria: LabCorp Variant Classification Summary - May 2015. Collection method: clinical testing. Allele origin: germline.

Ambry Genetics
Classification: Uncertain significance for Cystic fibrosis. Last evaluated: 2024-06-30. Review status: criteria provided, single submitter. Criteria: Ambry Variant Classification Scheme 2023. Collection method: clinical testing. Allele origin: germline.
Comment: The p.F1331I variant (also known as c.3991T>A), located in coding exon 25 of the CFTR gene, results from a T to A substitution at nucleotide position 3991. The phenylalanine at codon 1331 is replaced by isoleucine, an amino acid with highly similar properties. This amino acid position is highly conserved in available vertebrate species. In addition, this alteration is predicted to be deleterious by in silico analysis. Since supporting evidence is limited at this time, the clinical significance of this alteration remains unclear.

Labcorp Genetics (formerly Invitae), Labcorp
Classification: Uncertain significance for Cystic fibrosis. Last evaluated: 2021-08-30. Review status: criteria provided, single submitter. Criteria: Invitae Variant Classification Sherloc (09022015). Collection method: clinical testing. Allele origin: germline.
Comment: This sequence change replaces phenylalanine with isoleucine at codon 1331 of the CFTR protein (p.Phe1331Ile). The phenylalanine residue is moderately conserved and there is a small physicochemical difference between phenylalanine and isoleucine. This variant is not present in population databases (ExAC no frequency). This variant has not been reported in the literature in individuals affected with CFTR-related conditions. Algorithms developed to predict the effect of missense changes on protein structure and function (SIFT, PolyPhen-2, Align-GVGD) all suggest that this variant is likely to be tolerated. In summary, the available evidence is currently insufficient to determine the role of this variant in disease. Therefore, it has been classified as a Variant of Uncertain Significance.

Natera, Inc.
Classification: Uncertain significance for Cystic Fibrosis. Last evaluated: 2018-09-18. Review status: no assertion criteria provided. Collection method: clinical testing. Allele origin: germline. Not counted in ClinVar's aggregate classification.

NM_000492.4(CFTR):c.3991T>A (p.Phe1331Ile)

Gene: CFTR (CF transmembrane conductance regulator; plus strand). Cytogenetic location: 7q31.2.
Variant type: single nucleotide variant.
Coding change: c.3991T>A on transcript NM_000492.4 (MANE Select); coding-DNA position 3991, T replaced by A.
Protein change: p.Phe1331Ile; replaces phenylalanine 1331 with isoleucine.
Molecular consequence: missense variant.
Genome position (GRCh38, 1-based): chr7:117,664,715, T>A. VCF-style: chr7-117664715-T-A. GRCh37 (hg19) VCF-style: chr7-117304769-T-A.
Other names: short protein forms F1331I.
Identifiers: ClinVar variation 835913 (VCV000835913.8), dbSNP rs1369611499, ClinGen allele CA368982012.